The following is an entry in ClinVar:

NM_001369.3(DNAH5):c.12909+2T>C

Gene: DNAH5 (dynein axonemal heavy chain 5; minus strand). Cytogenetic location: 5p15.2.
Variant type: single nucleotide variant.
Coding change: c.12909+2T>C on transcript NM_001369.3 (MANE Select); the canonical splice donor site of the intron after coding-DNA position 12909, T replaced by C.
Molecular consequence: splice donor variant.
Genome position (GRCh38, 1-based): chr5:13,716,485, A>G on the plus strand (T>C on the coding strand, the complement: DNAH5 is on the minus strand). VCF-style: chr5-13716485-A-G. GRCh37 (hg19) VCF-style: chr5-13716594-A-G.
Identifiers: ClinVar variation 1067310 (VCV001067310.7), dbSNP rs2126503314, ClinGen allele CA359203503.
Genomic context (GRCh38, chr5:13,716,485, plus strand): 5'-TACCCAAAACTCAAGTGGCTACAGATATTTGCTCTATGCATAAAATTCTGAAGTTGACAA[A>G]CCTGGATATACTGAAGATAGTTATCCACTGTGCTGCATTTTGGAATATTGTATCCTTGGT-3'

ClinVar aggregate classification (germline): Likely pathogenic (1 of 4 stars; one submission).

Conditions:
Primary ciliary dyskinesia. Also called: Ciliary dyskinesia. Identifiers: Orphanet 244, MedGen C0008780, MONDO:0016575, HP:0012265.

Submission:

Labcorp Genetics (formerly Invitae), Labcorp
Classification: Likely pathogenic for Primary ciliary dyskinesia. Last evaluated: 2020-03-14. Review status: criteria provided, single submitter. Criteria: Invitae Variant Classification Sherloc (09022015). Collection method: clinical testing. Allele origin: germline.
Comment: This sequence change affects a donor splice site in intron 74 of the DNAH5 gene. It is expected to disrupt RNA splicing and likely results in an absent or disrupted protein product. This variant has not been reported in the literature in individuals with DNAH5-related conditions. Algorithms developed to predict the effect of sequence changes on RNA splicing suggest that this variant may disrupt the consensus splice site, but this prediction has not been confirmed by published transcriptional studies. Donor and acceptor splice site variants typically lead to a loss of protein function (PMID: 16199547), and loss-of-function variants in DNAH5 are known to be pathogenic (PMID: 11788826, 16627867). In summary, the currently available evidence indicates that the variant is pathogenic, but additional data are needed to prove that conclusively. Therefore, this variant has been classified as Likely Pathogenic. This variant is not present in population databases (ExAC no frequency).

Literature cited by the submitters: PubMed 16199547; PubMed 11788826; PubMed 16627867.